The following is an entry in ClinVar:

ClinVar aggregate classification (germline): Benign (0 of 4 stars; one submission).

Conditions:
GRB10-related disorder. Also called: GRB10-related condition.

Allele frequency attached by ClinVar (database versions not stated): ESP Exome Variant Server 0.00676; 1000 Genomes Project 0.00679; 1000 Genomes Project 30x 0.00750.
gnomAD v4.1: 1,892 of 1,611,108 alleles (0.12%); highest among the groups gnomAD compares: African/African-American, 1.8%; 13 homozygotes.

Submission:

PreventionGenetics, part of Exact Sciences
Classification: Benign for GRB10-related condition. Last evaluated: 2019-04-11. Review status: no assertion criteria provided. Collection method: clinical testing. Allele origin: germline.
Comment: This variant is classified as benign based on ACMG/AMP sequence variant interpretation guidelines (Richards et al. 2015 PMID: 25741868, with internal and published modifications).

NM_001350814.2(GRB10):c.268C>A (p.Pro90Thr)

Gene: GRB10 (growth factor receptor bound protein 10; minus strand). Cytogenetic location: 7p12.1.
Variant type: single nucleotide variant.
Coding change: c.268C>A on transcript NM_001350814.2 (MANE Select); coding-DNA position 268, C replaced by A.
Protein change: p.Pro90Thr; replaces proline 90 with threonine.
Molecular consequence: missense variant.
Genome position (GRCh38, 1-based): chr7:50,674,530, G>T on the plus strand (C>A on the coding strand, the complement: GRB10 is on the minus strand). VCF-style: chr7-50674530-G-T. GRCh37 (hg19) VCF-style: chr7-50742227-G-T.
Other names: c.268C>A, p.Pro90Thr (NM_001001549.3); c.94C>A, p.Pro32Thr (NM_001001550.3, NM_001001555.3, NM_001350816.3 and 1 more transcripts); c.382C>A, p.Pro128Thr (NM_001350815.2); c.415C>A, p.Pro139Thr (NM_001371009.1); short protein forms P128T, P139T, P32T, P90T.
Identifiers: ClinVar variation 3044238 (VCV003044238.2), dbSNP rs73697054, ClinGen allele CA4263012.